The following is an entry in ClinVar:

NM_144991.3(TSPEAR):c.346C>T (p.Leu116=)

Gene: TSPEAR (thrombospondin type laminin G domain and EAR repeats; minus strand). Cytogenetic location: 21q22.3.
Variant type: single nucleotide variant.
Coding change: c.346C>T on transcript NM_144991.3 (MANE Select); coding-DNA position 346, C replaced by T.
Protein change: p.Leu116=; no amino-acid change (leucine 116 retained).
Molecular consequence: synonymous variant.
Genome position (GRCh38, 1-based): chr21:44,533,881, G>A on the plus strand (C>T on the coding strand, the complement: TSPEAR is on the minus strand). VCF-style: chr21-44533881-G-A. GRCh37 (hg19) VCF-style: chr21-45953764-G-A.
Other names: c.142C>T, p.Leu48= (NM_001272037.2).
Identifiers: ClinVar variation 1217185 (VCV001217185.9), dbSNP rs782700761, ClinGen allele CA10057049.

ClinVar aggregate classification (germline): Benign/Likely benign. Review status: criteria provided, multiple submitters, no conflicts (2 of 4 stars). 3 submissions from 3 submitters: Benign (1); Likely benign (2). Last evaluated 2025-08-17.

Conditions:
TSPEAR-related disorder. Also called: TSPEAR-related condition.

Allele frequency attached by ClinVar (database versions not stated): TOPMed 0.00004; gnomAD 0.00006 and 0.00011; gnomAD exomes 0.00036; ExAC 0.00037.
gnomAD v4.1: 358 of 1,612,156 alleles (0.022%); highest among the groups gnomAD compares: Middle Eastern, 0.2%; no homozygotes.

Submissions (3):

Labcorp Genetics (formerly Invitae), Labcorp
Classification: Benign. Last evaluated: 2025-08-17. Review status: criteria provided, single submitter. Criteria: Invitae Variant Classification Sherloc (09022015). Collection method: clinical testing. Allele origin: germline.

PreventionGenetics, part of Exact Sciences
Classification: Likely benign for TSPEAR-related condition. Last evaluated: 2025-07-10. Review status: criteria provided, single submitter. Criteria: ACMG Guidelines, 2015. Collection method: clinical testing. Allele origin: germline.
Comment: This variant is classified as likely benign based on ACMG/AMP sequence variant interpretation guidelines (Richards et al. 2015 PMID: 25741868, with internal and published modifications).

GeneDx
Classification: Likely benign. Last evaluated: 2020-09-08. Review status: criteria provided, single submitter. Criteria: GeneDx Variant Classification Process June 2021. Collection method: clinical testing. Allele origin: germline. Affected: yes.